The following is an entry in ClinVar:

ClinVar aggregate classification (germline): Likely benign. Review status: criteria provided, multiple submitters, no conflicts (2 of 4 stars). 2 submissions from 2 submitters: Likely benign (2). Last evaluated 2025-04-07.

Conditions:
Congenital myotonia, autosomal recessive form. Also called: BECKER DISEASE; myotonia congenita, autosomal recessive; Becker Generalized Myotonia. Identifiers: Orphanet 614, MedGen C0751360, MONDO:0009715, OMIM 255700.
Congenital myotonia, autosomal dominant form (THD). Also called: Myotonia congenita autosomal dominant; THOMSEN DISEASE. Identifiers: Orphanet 614, MedGen C2936781, MONDO:0008055, OMIM 160800.

Allele frequency attached by ClinVar (database versions not stated): ExAC 0.00001; gnomAD exomes 0.00002.
gnomAD v4.1: 4 of 1,613,206 alleles (0.00025%); highest among the groups gnomAD compares: East Asian, 0.0089%; no homozygotes.

Submissions (2):

Labcorp Genetics (formerly Invitae), Labcorp
Classification: Likely benign for Congenital myotonia, autosomal recessive form; Congenital myotonia, autosomal dominant form. Last evaluated: 2025-04-07. Review status: criteria provided, single submitter. Criteria: Invitae Variant Classification Sherloc (09022015). Collection method: clinical testing. Allele origin: germline.

GeneDx
Classification: Likely benign. Last evaluated: 2016-02-11. Review status: criteria provided, single submitter. Criteria: GeneDx Variant Classification (06012015). Collection method: clinical testing. Allele origin: germline. Affected: yes.
Comment: This variant is considered likely benign or benign based on one or more of the following criteria: it is a conservative change, it occurs at a poorly conserved position in the protein, it is predicted to be benign by multiple in silico algorithms, and/or has population frequency not consistent with disease.

NM_000083.3(CLCN1):c.2509-16T>G

Gene: CLCN1 (chloride voltage-gated channel 1; plus strand). Cytogenetic location: 7q34.
Variant type: single nucleotide variant.
Coding change: c.2509-16T>G on transcript NM_000083.3 (MANE Select); 16 bases into the intron before coding-DNA position 2509, T replaced by G.
Molecular consequence: intron variant.
Genome position (GRCh38, 1-based): chr7:143,350,552, T>G. VCF-style: chr7-143350552-T-G. GRCh37 (hg19) VCF-style: chr7-143047645-T-G.
Identifiers: ClinVar variation 383327 (VCV000383327.4), dbSNP rs774042985, ClinGen allele CA4537714.